The following is an entry in ClinVar:

ClinVar aggregate classification (germline): Uncertain significance (1 of 4 stars; one submission).

gnomAD v4.1: 1 of 1,612,590 alleles (0.000062%); highest among the groups gnomAD compares: Non-Finnish European, 0.000085%; no homozygotes.

Submission:

Labcorp Genetics (formerly Invitae), Labcorp
Classification: Uncertain significance. Last evaluated: 2023-07-19. Review status: criteria provided, single submitter. Criteria: Invitae Variant Classification Sherloc (09022015). Collection method: clinical testing. Allele origin: germline.
Comment: This sequence change replaces arginine, which is basic and polar, with glycine, which is neutral and non-polar, at codon 1242 of the RAI1 protein (p.Arg1242Gly). This variant is not present in population databases (gnomAD no frequency). This variant has not been reported in the literature in individuals affected with RAI1-related conditions. Advanced modeling of protein sequence and biophysical properties (such as structural, functional, and spatial information, amino acid conservation, physicochemical variation, residue mobility, and thermodynamic stability) performed at Invitae indicates that this missense variant is not expected to disrupt RAI1 protein function. In summary, the available evidence is currently insufficient to determine the role of this variant in disease. Therefore, it has been classified as a Variant of Uncertain Significance.

NM_030665.4(RAI1):c.3724C>G (p.Arg1242Gly)

Gene: RAI1 (retinoic acid induced 1; plus strand). Cytogenetic location: 17p11.2.
Variant type: single nucleotide variant.
Coding change: c.3724C>G on transcript NM_030665.4 (MANE Select); coding-DNA position 3724, C replaced by G.
Protein change: p.Arg1242Gly; replaces arginine 1242 with glycine.
Molecular consequence: missense variant.
Genome position (GRCh38, 1-based): chr17:17,796,672, C>G. VCF-style: chr17-17796672-C-G. GRCh37 (hg19) VCF-style: chr17-17699986-C-G.
Other names: short protein forms R1242G.
Identifiers: ClinVar variation 2745363 (VCV002745363.3), dbSNP rs771329558, ClinGen allele CA398554798.
Genomic context (GRCh38, chr17:17,796,672, plus strand): 5'-CTCAAAAGGAAGTCGGCCTTCATGGCGCCGGTCCCCACCAAGAAGCGGAACCTGGTCTTG[C>G]GGAGCCGCAGCAGCAGCAGCAGCAACGCCAGTGGCAATGGGGGAGATGGGAAGGAGGAGA-3'
Protein context (NP_109590.3, residues 1232-1252): VPTKKRNLVL[Arg1242Gly]SRSSSSSNAS